The following is an entry in ClinVar:

NM_032776.3(JMJD1C):c.4633A>G (p.Asn1545Asp)

Gene: JMJD1C (jumonji domain containing 1C; minus strand). Cytogenetic location: 10q21.3.
Variant type: single nucleotide variant.
Coding change: c.4633A>G on transcript NM_032776.3 (MANE Select); coding-DNA position 4633, A replaced by G.
Protein change: p.Asn1545Asp; replaces asparagine 1545 with aspartic acid.
Molecular consequence: missense variant. On other transcripts: non-coding transcript variant (1).
Genome position (GRCh38, 1-based): chr10:63,207,036, T>C on the plus strand (A>G on the coding strand, the complement: JMJD1C is on the minus strand). VCF-style: chr10-63207036-T-C. GRCh37 (hg19) VCF-style: chr10-64966796-T-C.
Other names: c.4087A>G, p.Asn1363Asp (NM_001282948.2, NM_001318154.2); c.3769A>G, p.Asn1257Asp (NM_001318153.2); c.4519A>G, p.Asn1507Asp (NM_001322252.2); c.3976A>G, p.Asn1326Asp (NM_001322254.2, NM_001322258.2); short protein forms N1257D, N1507D, N1545D, N1326D, N1363D.
Identifiers: ClinVar variation 2090313 (VCV002090313.4), dbSNP rs752495848, ClinGen allele CA5518234.

ClinVar aggregate classification (germline): Uncertain significance (1 of 4 stars; one submission).

Conditions:
Early Myoclonic Encephalopathy. Identifiers: MedGen C0270855.

Allele frequency attached by ClinVar (database versions not stated): gnomAD exomes 0.00001; gnomAD 0.00001; ExAC 0.00002.
gnomAD v4.1: 10 of 1,614,040 alleles (0.00062%); highest among the groups gnomAD compares: Non-Finnish European, 0.00076%; no homozygotes.

Submission:

Labcorp Genetics (formerly Invitae), Labcorp
Classification: Uncertain significance for Early Myoclonic Encephalopathy. Last evaluated: 2023-01-14. Review status: criteria provided, single submitter. Criteria: Invitae Variant Classification Sherloc (09022015). Collection method: clinical testing. Allele origin: germline.
Comment: This sequence change replaces asparagine, which is neutral and polar, with aspartic acid, which is acidic and polar, at codon 1545 of the JMJD1C protein (p.Asn1545Asp). This variant is present in population databases (rs752495848, gnomAD 0.002%). This variant has not been reported in the literature in individuals affected with JMJD1C-related conditions. Advanced modeling of protein sequence and biophysical properties (such as structural, functional, and spatial information, amino acid conservation, physicochemical variation, residue mobility, and thermodynamic stability) performed at Invitae indicates that this missense variant is expected to disrupt JMJD1C protein function. In summary, the available evidence is currently insufficient to determine the role of this variant in disease. Therefore, it has been classified as a Variant of Uncertain Significance.